The following is an entry in ClinVar:

ClinVar aggregate classification (germline): Uncertain significance (1 of 4 stars; one submission).

gnomAD v4.1: 1 of 1,611,738 alleles (0.000062%); highest among the groups gnomAD compares: Non-Finnish European, 0.000085%; no homozygotes.

Submission:

Labcorp Genetics (formerly Invitae), Labcorp
Classification: Uncertain significance. Last evaluated: 2023-09-01. Review status: criteria provided, single submitter. Criteria: Invitae Variant Classification Sherloc (09022015). Collection method: clinical testing. Allele origin: germline.
Comment: In summary, the available evidence is currently insufficient to determine the role of this variant in disease. Therefore, it has been classified as a Variant of Uncertain Significance. An algorithm developed to predict the effect of missense changes on protein structure and function (PolyPhen-2) suggests that this variant is likely to be disruptive. This variant has not been reported in the literature in individuals affected with COL11A2-related conditions. This variant is not present in population databases (gnomAD no frequency). This sequence change replaces proline, which is neutral and non-polar, with arginine, which is basic and polar, at codon 894 of the COL11A2 protein (p.Pro894Arg).

NM_080680.3(COL11A2):c.2681C>G (p.Pro894Arg)

Gene: COL11A2 (collagen type XI alpha 2 chain; minus strand). Cytogenetic location: 6p21.32.
Variant type: single nucleotide variant.
Coding change: c.2681C>G on transcript NM_080680.3 (MANE Select); coding-DNA position 2681, C replaced by G.
Protein change: p.Pro894Arg; replaces proline 894 with arginine.
Molecular consequence: missense variant.
Genome position (GRCh38, 1-based): chr6:33,173,503, G>C on the plus strand (C>G on the coding strand, the complement: COL11A2 is on the minus strand). VCF-style: chr6-33173503-G-C. GRCh37 (hg19) VCF-style: chr6-33141280-G-C.
Other names: c.2423C>G, p.Pro808Arg (NM_080681.3); c.2501C>G, p.Pro834Arg (NM_001424108.1); c.1835C>G, p.Pro612Arg (NM_001424109.1); c.1655C>G, p.Pro552Arg (NM_001424110.1, NM_001424111.1); c.635C>G, p.Pro212Arg (NM_001424112.1); c.2360C>G, p.Pro787Arg (NM_080679.3); short protein forms P612R, P787R, P894R, P552R, P808R, P212R, P834R.
Identifiers: ClinVar variation 2757254 (VCV002757254.3), dbSNP rs2855430, ClinGen allele CA363641424.